The following is an entry in ClinVar:

NM_006206.6(PDGFRA):c.1663T>C (p.Tyr555His)

Gene: PDGFRA (platelet derived growth factor receptor alpha; plus strand). Cytogenetic location: 4q12.
Variant type: single nucleotide variant.
Coding change: c.1663T>C on transcript NM_006206.6 (MANE Select); coding-DNA position 1663, T replaced by C.
Protein change: p.Tyr555His; replaces tyrosine 555 with histidine.
Molecular consequence: missense variant.
Genome position (GRCh38, 1-based): chr4:54,274,850, T>C. VCF-style: chr4-54274850-T-C. GRCh37 (hg19) VCF-style: chr4-55141017-T-C.
Other names: c.1663T>C, p.Tyr555His (NM_001347827.2, NM_001347829.2); c.1738T>C, p.Tyr580His (NM_001347828.2); c.1702T>C, p.Tyr568His (NM_001347830.2); short protein forms Y555H, Y580H, Y568H.
Identifiers: ClinVar variation 240313 (VCV000240313.11), dbSNP rs878854823, ClinGen allele CA10582245.
Genomic context (GRCh38, chr4:54,274,850, plus strand): 5'-GTGCACTGGGACTTTGGTAATTCACCAGTTACCTGTCCTGGTCATTTATAGAAACCGAGG[T>C]ATGAAATTCGCTGGAGGGTCATTGAATCAATCAGCCCAGATGGACATGAATATATTTATG-3'
Protein context (NP_006197.1, residues 545-565): LVVIWKQKPR[Tyr555His]EIRWRVIESI

ClinVar aggregate classification (germline): Uncertain significance (1 of 4 stars; one submission).

Conditions:
Gastrointestinal stromal tumor. Also called: Gastrointestinal stromal tumor, somatic; Gastrointestinal stroma tumor. Identifiers: Orphanet 44890, MedGen C0238198, MeSH D046152, MONDO:0011719, OMIM 606764, HP:0100723.

Submission:

Labcorp Genetics (formerly Invitae), Labcorp
Classification: Uncertain significance for Gastrointestinal stromal tumor. Last evaluated: 2019-11-08. Review status: criteria provided, single submitter. Criteria: Invitae Variant Classification Sherloc (09022015). Collection method: clinical testing. Allele origin: germline.
Comment: This sequence change replaces tyrosine with histidine at codon 555 of the PDGFRA protein (p.Tyr555His). The tyrosine residue is highly conserved and there is a moderate physicochemical difference between tyrosine and histidine. In summary, the available evidence is currently insufficient to determine the role of this variant in disease. Therefore, it has been classified as a Variant of Uncertain Significance. Algorithms developed to predict the effect of missense changes on protein structure and function (SIFT, PolyPhen-2, Align-GVGD) all suggest that this variant is likely to be disruptive, but these predictions have not been confirmed by published functional studies and their clinical significance is uncertain. This variant has not been reported in the literature in individuals with PDGFRA-related conditions. This variant is not present in population databases (ExAC no frequency).